The following is an entry in ClinVar:

ClinVar aggregate classification (germline): Likely benign (0 of 4 stars; one submission).

Conditions:
PHF6-related disorder. Also called: PHF6-related condition.

gnomAD v4.1: 37 of 1,209,744 alleles (0.0031%); highest among the groups gnomAD compares: Non-Finnish European, 0.0037%; no homozygotes.

Submission:

PreventionGenetics, part of Exact Sciences
Classification: Likely benign for PHF6-related condition. Last evaluated: 2024-01-19. Review status: no assertion criteria provided. Collection method: clinical testing. Allele origin: germline.
Comment: This variant is classified as likely benign based on ACMG/AMP sequence variant interpretation guidelines (Richards et al. 2015 PMID: 25741868, with internal and published modifications).

NM_001015877.2(PHF6):c.241-3T>C

Gene: PHF6 (PHD finger protein 6; plus strand). Cytogenetic location: Xq26.2.
Variant type: single nucleotide variant.
Coding change: c.241-3T>C on transcript NM_001015877.2 (MANE Select); 3 bases into the intron before coding-DNA position 241, T replaced by C.
Molecular consequence: intron variant.
Genome position (GRCh38, 1-based): chrX:134,393,498, T>C. VCF-style: chrX-134393498-T-C. GRCh37 (hg19) VCF-style: chrX-133527528-T-C.
Other names: c.241-3T>C (NM_032458.3, NM_032335.3).
Identifiers: ClinVar variation 3358030 (VCV003358030.1).